The following is an entry in ClinVar:

NM_000283.4(PDE6B):c.2391C>A (p.Phe797Leu)

Gene: PDE6B (phosphodiesterase 6B; plus strand). Cytogenetic location: 4p16.3.
Variant type: single nucleotide variant.
Coding change: c.2391C>A on transcript NM_000283.4 (MANE Select); coding-DNA position 2391, C replaced by A.
Protein change: p.Phe797Leu; replaces phenylalanine 797 with leucine.
Molecular consequence: missense variant.
Genome position (GRCh38, 1-based): chr4:667,894, C>A. VCF-style: chr4-667894-C-A. GRCh37 (hg19) VCF-style: chr4-661683-C-A.
Other names: c.2391C>A, p.Phe797Leu (NM_001145291.2); c.1554C>A, p.Phe518Leu (NM_001145292.2, NM_001350154.3, NM_001379246.1 and 1 more transcripts); c.1236C>A, p.Phe412Leu (NM_001350155.3); short protein forms F518L, F797L, F412L.
Identifiers: ClinVar variation 942136 (VCV000942136.10), dbSNP rs143154045, ClinGen allele CA2795044.
Genomic context (GRCh38, chr4:667,894, plus strand): 5'-GTGACTTCTCGACTCCCCTCAGGAGTTCTCTCGTTTCCACGAAGAGATCCTGCCCATGTT[C>A]GACCGACTGCAGAACAATAGGAAAGAGTGGAAGGCGCTGGCTGATGAGTATGAGGCCAAA-3'
Protein context (NP_000274.3, residues 787-807): SRFHEEILPM[Phe797Leu]DRLQNNRKEW

ClinVar aggregate classification (germline): Uncertain significance. Review status: criteria provided, multiple submitters, no conflicts (2 of 4 stars). 2 submissions from 2 submitters: Uncertain significance (2). Last evaluated 2025-08-02.

Conditions:
Inborn genetic diseases. Identifiers: MedGen C0950123, MeSH D030342.

Allele frequency attached by ClinVar (database versions not stated): TOPMed 0.00010; ESP Exome Variant Server 0.00015.
gnomAD v4.1: 18 of 1,613,350 alleles (0.0011%); highest among the groups gnomAD compares: African/African-American, 0.021%; no homozygotes.

Submissions (2):

Ambry Genetics
Classification: Uncertain significance for Inborn genetic diseases. Last evaluated: 2025-08-02. Review status: criteria provided, single submitter. Criteria: Ambry Variant Classification Scheme 2023. Collection method: clinical testing. Allele origin: germline.

Labcorp Genetics (formerly Invitae), Labcorp
Classification: Uncertain significance. Last evaluated: 2025-07-31. Review status: criteria provided, single submitter. Criteria: Invitae Variant Classification Sherloc (09022015). Collection method: clinical testing. Allele origin: germline.
Comment: This sequence change replaces phenylalanine, which is neutral and non-polar, with leucine, which is neutral and non-polar, at codon 797 of the PDE6B protein (p.Phe797Leu). This variant is present in population databases (rs143154045, gnomAD 0.03%). This variant has not been reported in the literature in individuals affected with PDE6B-related conditions. ClinVar contains an entry for this variant (Variation ID: 942136). Invitae Evidence Modeling of protein sequence and biophysical properties (such as structural, functional, and spatial information, amino acid conservation, physicochemical variation, residue mobility, and thermodynamic stability) indicates that this missense variant is not expected to disrupt PDE6B protein function with a negative predictive value of 95%. In summary, the available evidence is currently insufficient to determine the role of this variant in disease. Therefore, it has been classified as a Variant of Uncertain Significance.